The following is an entry in ClinVar:

ClinVar aggregate classification (germline): Likely benign. Review status: criteria provided, multiple submitters, no conflicts (2 of 4 stars). 2 submissions from 2 submitters: Likely benign (2). Last evaluated 2025-08-01.

Conditions:
Hereditary cancer-predisposing syndrome. Also called: Neoplastic Syndromes, Hereditary; Tumor predisposition; Hereditary Cancer Syndrome; Hereditary neoplastic syndrome. Identifiers: Orphanet 140162, MedGen C0027672, MeSH D009386, MONDO:0015356.

Submissions (2):

CeGaT Center for Human Genetics Tuebingen
Classification: Likely benign. Last evaluated: 2025-08-01. Review status: criteria provided, single submitter. Criteria: CeGaT Center For Human Genetics Tuebingen Variant Classification Criteria Version 2. Collection method: clinical testing. Allele origin: germline. Affected: yes. Observed: 1 variant allele.
Comment: MEN1: PM2:Supporting, BP4, BP7

Ambry Genetics
Classification: Likely benign for Hereditary cancer-predisposing syndrome. Last evaluated: 2023-12-13. Review status: criteria provided, single submitter. Criteria: Ambry Variant Classification Scheme 2023. Collection method: clinical testing. Allele origin: germline.

NM_001370259.2(MEN1):c.294A>C (p.Arg98=)

Gene: MEN1 (menin 1; minus strand). Cytogenetic location: 11q13.1.
Variant type: single nucleotide variant.
Coding change: c.294A>C on transcript NM_001370259.2 (MANE Select); coding-DNA position 294, A replaced by C.
Protein change: p.Arg98=; no amino-acid change (arginine 98 retained).
Molecular consequence: synonymous variant. On other transcripts: non-coding transcript variant (4).
Genome position (GRCh38, 1-based): chr11:64,809,816, T>G on the plus strand (A>C on the coding strand, the complement: MEN1 is on the minus strand). VCF-style: chr11-64809816-T-G. GRCh37 (hg19) VCF-style: chr11-64577288-T-G.
Other names: c.294A>C, p.Arg98= (NM_000244.4, NM_001370251.2, NM_001370260.2 and 20 more transcripts).
Identifiers: ClinVar variation 3229093 (VCV003229093.9), dbSNP rs2136185660, ClinGen allele CA475163574.
Genomic context (GRCh38, chr11:64,809,816, plus strand): 5'-CACCAGCTCACGGCTGGAGACACCCCCTTCTCGAGGATAGAGGGACAGGTCGACGGCGCC[T>G]CGGATCTGGGCGGTGAAGCGGGCATAGAGGGCGGCGATGATAGACAGGTCGGCCACGGGA-3'
Protein context (NP_001357188.2, residues 88-108): ALYARFTAQI[Arg98=]GAVDLSLYPR